The following is an entry in ClinVar:

ClinVar aggregate classification (germline): Uncertain significance (1 of 4 stars; one submission).

Allele frequency attached by ClinVar (database versions not stated): ExAC 0.00001; gnomAD 0.00001.
gnomAD v4.1: 12 of 1,613,790 alleles (0.00074%); highest among the groups gnomAD compares: African/African-American, 0.0027%; no homozygotes.

Submission:

Labcorp Genetics (formerly Invitae), Labcorp
Classification: Uncertain significance. Last evaluated: 2023-08-10. Review status: criteria provided, single submitter. Criteria: Invitae Variant Classification Sherloc (09022015). Collection method: clinical testing. Allele origin: germline.
Comment: Advanced modeling of protein sequence and biophysical properties (such as structural, functional, and spatial information, amino acid conservation, physicochemical variation, residue mobility, and thermodynamic stability) performed at Invitae indicates that this missense variant is not expected to disrupt CSGALNACT1 protein function. In summary, the available evidence is currently insufficient to determine the role of this variant in disease. Therefore, it has been classified as a Variant of Uncertain Significance. ClinVar contains an entry for this variant (Variation ID: 1955417). This variant has not been reported in the literature in individuals affected with CSGALNACT1-related conditions. This variant is present in population databases (rs778839959, gnomAD 0.004%). This sequence change replaces glutamic acid, which is acidic and polar, with valine, which is neutral and non-polar, at codon 414 of the CSGALNACT1 protein (p.Glu414Val).

NM_001354483.2(CSGALNACT1):c.1241A>T (p.Glu414Val)

Gene: CSGALNACT1 (chondroitin sulfate N-acetylgalactosaminyltransferase 1; minus strand). Cytogenetic location: 8p21.3.
Variant type: single nucleotide variant.
Coding change: c.1241A>T on transcript NM_001354483.2 (MANE Select); coding-DNA position 1241, A replaced by T.
Protein change: p.Glu414Val; replaces glutamic acid 414 with valine.
Molecular consequence: missense variant. On other transcripts: non-coding transcript variant (7).
Genome position (GRCh38, 1-based): chr8:19,408,681, T>A on the plus strand (A>T on the coding strand, the complement: CSGALNACT1 is on the minus strand). VCF-style: chr8-19408681-T-A. GRCh37 (hg19) VCF-style: chr8-19266192-T-A.
Other names: c.1241A>T, p.Glu414Val (NM_001354490.2, NM_001354491.2, NM_001354492.2 and 18 more transcripts); short protein forms E414V.
Identifiers: ClinVar variation 1955417 (VCV001955417.5), dbSNP rs778839959, ClinGen allele CA4653836.